The following is an entry in ClinVar:

ClinVar aggregate classification (germline): Benign/Likely benign. Review status: criteria provided, multiple submitters, no conflicts (2 of 4 stars). 8 submissions from 8 submitters: Benign (5); Likely benign (3). Last evaluated 2026-02-04.

Conditions:
Autoinflammatory syndrome. Identifiers: Orphanet 93665, MedGen C3890737, MONDO:0019751.
Familial hemophagocytic lymphohistiocytosis 2 (FHL2). Also called: PRF1-Related Familial Hemophagocytic Lymphohistiocytosis (PRF1-fHLH). Identifiers: Orphanet 540, MedGen C1863727, MONDO:0011337, OMIM 603553.

Allele frequency attached by ClinVar (database versions not stated): gnomAD exomes 0.00679 and 0.00692; ExAC 0.00746; gnomAD 0.01338 and 0.01461; 1000 Genomes Project 0.01518; ESP Exome Variant Server 0.01584; TOPMed 0.01586; 1000 Genomes Project 30x 0.01608.

Submissions (8):

Labcorp Genetics (formerly Invitae), Labcorp
Classification: Benign for Familial hemophagocytic lymphohistiocytosis 2. Last evaluated: 2026-02-04. Review status: criteria provided, single submitter. Criteria: Invitae Variant Classification Sherloc (09022015). Collection method: clinical testing. Allele origin: germline.

Blueprint Genetics
Classification: Likely benign. Last evaluated: 2024-11-26. Review status: criteria provided, single submitter. Criteria: ACMG Guidelines, 2015. Collection method: clinical testing. Allele origin: germline.

Mayo Clinic Laboratories, Mayo Clinic
Classification: Benign. Last evaluated: 2023-07-27. Review status: criteria provided, single submitter. Criteria: ACMG Guidelines, 2015. Collection method: clinical testing. Allele origin: germline. Observed: 18 variant alleles.
Comment: BS1, BS2, BP4, BP7

Genome Diagnostics Laboratory, The Hospital for Sick Children
Classification: Benign for Autoinflammatory syndrome. Last evaluated: 2021-05-18. Review status: criteria provided, single submitter. Criteria: ACMG Guidelines, 2015. Collection method: clinical testing. Allele origin: germline. Affected: yes.

GeneDx
Classification: Likely benign. Last evaluated: 2020-12-08. Review status: criteria provided, single submitter. Criteria: GeneDx Variant Classification Process June 2021. Collection method: clinical testing. Allele origin: germline. Affected: yes.

Illumina Laboratory Services, Illumina
Classification: Benign for Familial hemophagocytic lymphohistiocytosis 2. Last evaluated: 2018-01-12. Review status: criteria provided, single submitter. Criteria: ICSL Variant Classification Criteria 13 December 2019. Collection method: clinical testing. Allele origin: germline.
Comment: This variant was observed in the ICSL laboratory as part of a predisposition screen in an ostensibly healthy population. It had not been previously curated by ICSL or reported in the Human Gene Mutation Database (HGMD: prior to June 1st, 2018), and was therefore a candidate for classification through an automated scoring system. Utilizing variant allele frequency, disease prevalence and penetrance estimates, and inheritance mode, an automated score was calculated to assess if this variant is too frequent to cause the disease. Based on the score and internal cut-off values, a variant classified as benign is not then subjected to further curation. The score for this variant resulted in a classification of benign for this disease.

Breakthrough Genomics
Classification: Likely benign. Review status: criteria provided, single submitter. Criteria: ACMG Guidelines, 2015. Collection method: not provided. Allele origin: germline. Inheritance: Autosomal recessive inheritance. Affected: yes.

PreventionGenetics, part of Exact Sciences
Classification: Benign. Review status: criteria provided, single submitter. Criteria: ACMG Guidelines, 2015. Collection method: clinical testing. Allele origin: germline.

Literature cited by the submitters: PubMed 14757862 (cited by Mayo Clinic Laboratories, Mayo Clinic); PubMed 16860143 (cited by Mayo Clinic Laboratories, Mayo Clinic).

NM_001083116.3(PRF1):c.462A>G (p.Ala154=)

Gene: PRF1 (perforin 1; minus strand). Cytogenetic location: 10q22.1.
Variant type: single nucleotide variant.
Coding change: c.462A>G on transcript NM_001083116.3 (MANE Select); coding-DNA position 462, A replaced by G.
Protein change: p.Ala154=; no amino-acid change (alanine 154 retained).
Molecular consequence: synonymous variant.
Genome position (GRCh38, 1-based): chr10:70,600,441, T>C on the plus strand (A>G on the coding strand, the complement: PRF1 is on the minus strand). VCF-style: chr10-70600441-T-C. GRCh37 (hg19) VCF-style: chr10-72360197-T-C.
Other names: p.Ala154=; c.462A>G, p.Ala154= (NM_005041.6).
Identifiers: ClinVar variation 257402 (VCV000257402.24), dbSNP rs116554195, ClinGen allele CA5539028.